The following is an entry in ClinVar:

ClinVar aggregate classification (germline): Uncertain significance (1 of 4 stars; one submission).

Conditions:
Hereditary spastic paraplegia 11. Also called: Nakamura Osame syndrome; Autosomal recessive hereditary spastic paraplegia, mental impairment, and thin corpus callosum; Spastic Paraplegia 11; SPASTIC PARAPLEGIA, AUTOSOMAL RECESSIVE, COMPLICATED, WITH THIN CORPUS CALLOSUM; SPASTIC PARAPLEGIA, AUTOSOMAL RECESSIVE, WITH MENTAL IMPAIRMENT AND THIN CORPUS CALLOSUM; Spastic paraplegia, mental retardation and thin corpus callosum. Identifiers: Orphanet 2822, MedGen C1858479, MONDO:0011445, OMIM 604360.

Allele frequency attached by ClinVar (database versions not stated): gnomAD exomes below 0.00001.
gnomAD v4.1: 1 of 1,613,758 alleles (0.000062%); highest among the groups gnomAD compares: Non-Finnish European, 0.000085%; no homozygotes.

Submission:

Labcorp Genetics (formerly Invitae), Labcorp
Classification: Uncertain significance for Hereditary spastic paraplegia 11. Last evaluated: 2022-06-13. Review status: criteria provided, single submitter. Criteria: Invitae Variant Classification Sherloc (09022015). Collection method: clinical testing. Allele origin: germline.
Comment: This sequence change replaces lysine, which is basic and polar, with asparagine, which is neutral and polar, at codon 678 of the SPG11 protein (p.Lys678Asn). This variant is not present in population databases (gnomAD no frequency). In summary, the available evidence is currently insufficient to determine the role of this variant in disease. Therefore, it has been classified as a Variant of Uncertain Significance. Algorithms developed to predict the effect of missense changes on protein structure and function output the following: SIFT: "Tolerated"; PolyPhen-2: "Possibly Damaging"; Align-GVGD: "Class C0". The asparagine amino acid residue is found in multiple mammalian species, which suggests that this missense change does not adversely affect protein function. This variant has not been reported in the literature in individuals affected with SPG11-related conditions.

NM_025137.4(SPG11):c.2034G>T (p.Lys678Asn)

Gene: SPG11 (SPG11 vesicle trafficking associated, spatacsin; minus strand). Cytogenetic location: 15q21.1.
Variant type: single nucleotide variant.
Coding change: c.2034G>T on transcript NM_025137.4 (MANE Select); coding-DNA position 2034, G replaced by T.
Protein change: p.Lys678Asn; replaces lysine 678 with asparagine.
Molecular consequence: missense variant.
Genome position (GRCh38, 1-based): chr15:44,628,702, C>A on the plus strand (G>T on the coding strand, the complement: SPG11 is on the minus strand). VCF-style: chr15-44628702-C-A. GRCh37 (hg19) VCF-style: chr15-44920900-C-A.
Other names: c.2034G>T, p.Lys678Asn (NM_001160227.2); short protein forms K678N.
Identifiers: ClinVar variation 1399146 (VCV001399146.6), dbSNP rs2083971691, ClinGen allele CA392234123.